The following is an entry in ClinVar:

NM_015021.3(ZNF292):c.4607del (p.Leu1536fs)

Gene: ZNF292 (zinc finger protein 292; plus strand). Cytogenetic location: 6q14.3.
Variant type: Deletion.
Coding change: c.4607del on transcript NM_015021.3 (MANE Select); coding-DNA position 4607, one base deleted (T; older notation c.4607delT).
Protein change: p.Leu1536fs; shifts the reading frame from leucine 1536.
Molecular consequence: frameshift variant.
Genome position (GRCh38, 1-based): chr6:87,258,236, T deleted. VCF-style (leftmost placement, unchanged base first): chr6-87258235-CT-C. GRCh37 (hg19) VCF-style: chr6-87967953-CT-C.
Other names: c.4187del, p.Leu1396fs (NM_001351444.2); short protein forms L1396fs, L1536fs.
Identifiers: ClinVar variation 3776218 (VCV003776218.1).

ClinVar aggregate classification (germline): Likely pathogenic (1 of 4 stars; one submission).

Conditions:
Intellectual developmental disorder, autosomal dominant 64. Also called: MENTAL RETARDATION, AUTOSOMAL DOMINANT 64. Identifiers: MedGen C5543067, MONDO:0030934, OMIM 619188.

Submission:

3billion
Classification: Likely pathogenic for Intellectual developmental disorder, autosomal dominant 64. Last evaluated: 2023-06-15. Review status: criteria provided, single submitter. Criteria: ACMG Guidelines, 2015. Collection method: clinical testing. Allele origin: germline. Affected: yes.
Comment: The variant is not observed in the gnomAD v2.1.1 dataset. Predicted Consequence/Location: Frameshift: predicted to result in a loss or disruption of normal protein function through protein truncation. Multiple pathogenic variants are reported in the predicted truncated region. Therefore, this variant is classified as Likely pathogenic according to the recommendation of ACMG/AMP guideline.